The following is an entry in ClinVar:

NM_001205293.3(CACNA1E):c.5611G>A (p.Ala1871Thr)

Gene: CACNA1E (calcium voltage-gated channel subunit alpha1 E; plus strand). Cytogenetic location: 1q25.3.
Variant type: single nucleotide variant.
Coding change: c.5611G>A on transcript NM_001205293.3 (MANE Select); coding-DNA position 5611, G replaced by A.
Protein change: p.Ala1871Thr; replaces alanine 1871 with threonine.
Molecular consequence: missense variant.
Genome position (GRCh38, 1-based): chr1:181,785,350, G>A. VCF-style: chr1-181785350-G-A. GRCh37 (hg19) VCF-style: chr1-181754486-G-A.
Other names: c.5611G>A, p.Ala1871Thr (NM_000721.4); c.5554G>A, p.Ala1852Thr (NM_001205294.2); short protein forms A1852T, A1871T.
Identifiers: ClinVar variation 3361288 (VCV003361288.1).

ClinVar aggregate classification (germline): Uncertain significance (1 of 4 stars; one submission).

Submission:

GeneDx
Classification: Uncertain significance. Last evaluated: 2023-07-25. Review status: criteria provided, single submitter. Criteria: GeneDx Variant Classification Process June 2021. Collection method: clinical testing. Allele origin: germline. Affected: yes.
Comment: Not observed at significant frequency in large population cohorts (gnomAD); In silico analysis supports that this missense variant has a deleterious effect on protein structure/function; Has not been previously published as pathogenic or benign to our knowledge